The following is an entry in ClinVar:

NM_001184.4(ATR):c.190A>G (p.Thr64Ala)

Gene: ATR (ATR checkpoint kinase; minus strand). Cytogenetic location: 3q23.
Variant type: single nucleotide variant.
Coding change: c.190A>G on transcript NM_001184.4 (MANE Select); coding-DNA position 190, A replaced by G.
Protein change: p.Thr64Ala; replaces threonine 64 with alanine.
Molecular consequence: missense variant.
Genome position (GRCh38, 1-based): chr3:142,566,223, T>C on the plus strand (A>G on the coding strand, the complement: ATR is on the minus strand). VCF-style: chr3-142566223-T-C. GRCh37 (hg19) VCF-style: chr3-142285065-T-C.
Other names: c.190A>G, p.Thr64Ala (NM_001354579.2); short protein forms T64A.
Identifiers: ClinVar variation 343628 (VCV000343628.18), dbSNP rs35306038, ClinGen allele CA2650822.

ClinVar aggregate classification (germline): Conflicting classifications of pathogenicity. Review status: criteria provided, conflicting classifications (1 of 4 stars). 5 submissions from 5 submitters: Uncertain significance (3); Likely benign (2). Last evaluated 2025-11-25.

Conditions:
ATR-related disorder. Also called: ATR-related condition.
Seckel syndrome 1 (SCKL1). Also called: MICROCEPHALIC PRIMORDIAL DWARFISM I. Identifiers: Orphanet 808, MedGen C4551474, MONDO:0008869, OMIM 210600.

Allele frequency attached by ClinVar (database versions not stated): ExAC 0.00023; 1000 Genomes Project 0.00060; 1000 Genomes Project 30x 0.00062; gnomAD 0.00004 and 0.00005; TOPMed 0.00008; gnomAD exomes 0.00019.
gnomAD v4.1: 87 of 1,613,992 alleles (0.0054%); highest among the groups gnomAD compares: East Asian, 0.13%; no homozygotes.

Submissions (5):

Labcorp Genetics (formerly Invitae), Labcorp
Classification: Likely benign. Last evaluated: 2025-11-25. Review status: criteria provided, single submitter. Criteria: Invitae Variant Classification Sherloc (09022015). Collection method: clinical testing. Allele origin: germline.

PreventionGenetics, part of Exact Sciences
Classification: Likely benign for ATR-related condition. Last evaluated: 2025-10-08. Review status: criteria provided, single submitter. Criteria: ACMG Guidelines, 2015. Collection method: clinical testing. Allele origin: germline.
Comment: This variant is classified as likely benign based on ACMG/AMP sequence variant interpretation guidelines (Richards et al. 2015 PMID: 25741868, with internal and published modifications).

Blueprint Genetics
Classification: Uncertain significance. Last evaluated: 2024-10-17. Review status: criteria provided, single submitter. Criteria: ACMG Guidelines, 2015. Collection method: clinical testing. Allele origin: germline.

Department of Pathology and Laboratory Medicine, Sinai Health System
Classification: Uncertain significance for Seckel syndrome 1. Last evaluated: 2021-07-30. Review status: criteria provided, single submitter. Criteria: ACMG Guidelines, 2015. Collection method: research. Allele origin: germline.

Illumina Laboratory Services, Illumina
Classification: Uncertain significance for Seckel syndrome 1. Last evaluated: 2018-01-12. Review status: criteria provided, single submitter. Criteria: ICSL Variant Classification Criteria 13 December 2019. Collection method: clinical testing. Allele origin: germline.